The following is an entry in ClinVar:

ClinVar aggregate classification (germline): Uncertain significance. Review status: criteria provided, multiple submitters, no conflicts (2 of 4 stars). 2 submissions from 2 submitters: Uncertain significance (2). Last evaluated 2025-11-26.

Conditions:
Periodic fever-infantile enterocolitis-autoinflammatory syndrome. Also called: Autoinflammation with infantile enterocolitis. Identifiers: Orphanet 436166, MedGen C4015067, MONDO:0014472, OMIM 616050.
Familial cold autoinflammatory syndrome 4 (FCAS4). Identifiers: Orphanet 47045, Orphanet 576349, MedGen C4015276, MONDO:0014498, OMIM 616115.

Allele frequency attached by ClinVar (database versions not stated): ExAC 0.00002; 1000 Genomes Project 0.00020; gnomAD 0.00005; 1000 Genomes Project 30x 0.00016; TOPMed 0.00002.
gnomAD v4.1: 35 of 1,614,026 alleles (0.0022%); highest among the groups gnomAD compares: East Asian, 0.016%; no homozygotes.

Submissions (2):

Labcorp Genetics (formerly Invitae), Labcorp
Classification: Uncertain significance for Periodic fever-infantile enterocolitis-autoinflammatory syndrome; Familial cold autoinflammatory syndrome 4. Last evaluated: 2025-11-26. Review status: criteria provided, single submitter. Criteria: Invitae Variant Classification Sherloc (09022015). Collection method: clinical testing. Allele origin: germline.
Comment: This sequence change replaces isoleucine, which is neutral and non-polar, with threonine, which is neutral and polar, at codon 124 of the NLRC4 protein (p.Ile124Thr). This variant is present in population databases (rs188120749, gnomAD 0.02%). This variant has not been reported in the literature in individuals affected with NLRC4-related conditions. ClinVar contains an entry for this variant (Variation ID: 576971). Invitae Evidence Modeling of protein sequence and biophysical properties (such as structural, functional, and spatial information, amino acid conservation, physicochemical variation, residue mobility, and thermodynamic stability) indicates that this missense variant is expected to disrupt NLRC4 protein function with a positive predictive value of 80%. In summary, the available evidence is currently insufficient to determine the role of this variant in disease. Therefore, it has been classified as a Variant of Uncertain Significance.

Genomic Medicine Center of Excellence, King Faisal Specialist Hospital and Research Centre
Classification: Uncertain significance for Periodic fever-infantile enterocolitis-autoinflammatory syndrome. Last evaluated: 2025-09-10. Review status: criteria provided, single submitter. Criteria: ACMG Guidelines, 2015. Collection method: clinical testing. Allele origin: germline.

NM_001199138.2(NLRC4):c.371T>C (p.Ile124Thr)

Gene: NLRC4 (NLR family CARD domain containing 4; minus strand). Cytogenetic location: 2p22.3.
Variant type: single nucleotide variant.
Coding change: c.371T>C on transcript NM_001199138.2 (MANE Select); coding-DNA position 371, T replaced by C.
Protein change: p.Ile124Thr; replaces isoleucine 124 with threonine.
Molecular consequence: missense variant. On other transcripts: intron variant (1).
Genome position (GRCh38, 1-based): chr2:32,251,493, A>G on the plus strand (T>C on the coding strand, the complement: NLRC4 is on the minus strand). VCF-style: chr2-32251493-A-G. GRCh37 (hg19) VCF-style: chr2-32476562-A-G.
Other names: c.371T>C, p.Ile124Thr (NM_001199139.2, NM_021209.5); c.262+926T>C (NM_001302504.1); short protein forms I124T.
Identifiers: ClinVar variation 576971 (VCV000576971.10), dbSNP rs188120749, ClinGen allele CA1602154.